The following is an entry in ClinVar:

ClinVar aggregate classification (germline): Likely benign (1 of 4 stars; one submission).

Submission:

CeGaT Center for Human Genetics Tuebingen
Classification: Likely benign. Last evaluated: 2025-08-01. Review status: criteria provided, single submitter. Criteria: CeGaT Center For Human Genetics Tuebingen Variant Classification Criteria Version 2. Collection method: clinical testing. Allele origin: germline. Affected: yes. Observed: 1 variant allele.
Comment: POU4F1: BP4, BP7

NM_006237.4(POU4F1):c.525C>T (p.Gly175=)

Genes: OBI1-AS1 (OBI1 antisense RNA 1; plus strand), POU4F1 (POU class 4 homeobox 1; minus strand). Cytogenetic location: 13q31.1.
Variant type: single nucleotide variant.
Coding change: c.525C>T on transcript NM_006237.4 (MANE Select); coding-DNA position 525, C replaced by T.
Protein change: p.Gly175=; no amino-acid change (glycine 175 retained).
Molecular consequence: synonymous variant.
Genome position (GRCh38, 1-based): chr13:78,602,150, G>A on the plus strand (C>T on the coding strand, the complement: POU4F1 is on the minus strand). VCF-style: chr13-78602150-G-A. GRCh37 (hg19) VCF-style: chr13-79176285-G-A.
Identifiers: ClinVar variation 4084223 (VCV004084223.8).